The following is an entry in ClinVar:

NM_000237.3(LPL):c.*364A>C

Gene: LPL (lipoprotein lipase; plus strand). Cytogenetic location: 8p21.3.
Variant type: single nucleotide variant.
Coding change: c.*364A>C on transcript NM_000237.3 (MANE Select); 364 bases downstream of the stop codon, A replaced by C.
Molecular consequence: 3 prime UTR variant.
Genome position (GRCh38, 1-based): chr8:19,965,674, A>C. VCF-style: chr8-19965674-A-C. GRCh37 (hg19) VCF-style: chr8-19823185-A-C.
Other names: c.1792A>C (NM_000237.2).
Identifiers: ClinVar variation 120089 (VCV000120089.1), dbSNP rs137854428, ClinGen allele CA230617.

ClinVar aggregate classification (germline): not provided (0 of 4 stars; one submission).

Submission:

Functional Genomics, Thrombosis Research Institute, India
No classification provided. Review status: no classification provided. Collection method: not provided. Allele origin: not provided.
Comment: The polymorphisms were detected by PCR and sequencing of a 780 bp region in the LPL gene and subsequent assembly and comparison to ENSEMBLE reference sequence.